The following is an entry in ClinVar:

ClinVar aggregate classification (germline): Uncertain significance. Review status: criteria provided, single submitter (1 of 4 stars). 2 submissions from 2 submitters: Uncertain significance (1). 1 of the submissions does not count toward it. Last evaluated 2025-08-30.

Conditions:
PHRF1-related disorder. Also called: PHRF1-related condition.

Allele frequency attached by ClinVar (database versions not stated): ExAC 0.00023; ESP Exome Variant Server 0.00048; gnomAD 0.00098; 1000 Genomes Project 30x 0.00156; 1000 Genomes Project 0.00160.
gnomAD v4.1: 248 of 1,613,866 alleles (0.015%); highest among the groups gnomAD compares: African/African-American, 0.32%; 3 homozygotes.

Submissions (2):

Ambry Genetics
Classification: Uncertain significance. Last evaluated: 2025-08-30. Review status: criteria provided, single submitter. Criteria: Ambry Variant Classification Scheme 2023. Collection method: clinical testing. Allele origin: germline.

PreventionGenetics, part of Exact Sciences
Classification: Likely benign for PHRF1-related condition. Last evaluated: 2022-02-10. Review status: no assertion criteria provided. Collection method: clinical testing. Allele origin: germline. Not counted in ClinVar's aggregate classification.
Comment: This variant is classified as likely benign based on ACMG/AMP sequence variant interpretation guidelines (Richards et al. 2015 PMID: 25741868, with internal and published modifications).

NM_001286581.2(PHRF1):c.694G>C (p.Ala232Pro)

Gene: PHRF1 (PHD and ring finger domains 1; plus strand). Cytogenetic location: 11p15.5.
Variant type: single nucleotide variant.
Coding change: c.694G>C on transcript NM_001286581.2 (MANE Select); coding-DNA position 694, G replaced by C.
Protein change: p.Ala232Pro; replaces alanine 232 with proline.
Molecular consequence: missense variant.
Genome position (GRCh38, 1-based): chr11:596,996, G>C. VCF-style: chr11-596996-G-C. GRCh37 (hg19) VCF-style: chr11-596996-G-C.
Other names: c.691G>C, p.Ala231Pro (NM_001286582.2); c.682G>C, p.Ala228Pro (NM_001286583.2); c.694G>C, p.Ala232Pro (NM_020901.4); c.694G>C (NM_020901.2); short protein forms A228P, A231P, A232P.
Identifiers: ClinVar variation 3048602 (VCV003048602.3), dbSNP rs201614026, ClinGen allele CA5781877.